The following is an entry in ClinVar:

ClinVar aggregate classification (germline): Uncertain significance (1 of 4 stars; one submission).

Conditions:
Developmental and epileptic encephalopathy, 36 (DEE36). Also called: Epileptic encephalopathy, early infantile, 36; ALG13-CDG; Congenital disorder of glycosylation, type Is. Identifiers: Orphanet 324422, MedGen C4317295, MONDO:0010472, OMIM 300884.

Allele frequency attached by ClinVar (database versions not stated): gnomAD exomes 0.00001.
gnomAD v4.1: 3 of 1,211,113 alleles (0.00025%); highest among the groups gnomAD compares: Non-Finnish European, 0.00034%; no homozygotes.

Submission:

Labcorp Genetics (formerly Invitae), Labcorp
Classification: Uncertain significance for Developmental and epileptic encephalopathy, 36. Last evaluated: 2022-06-27. Review status: criteria provided, single submitter. Criteria: Invitae Variant Classification Sherloc (09022015). Collection method: clinical testing. Allele origin: germline.
Comment: This sequence change replaces valine, which is neutral and non-polar, with glutamic acid, which is acidic and polar, at codon 1133 of the ALG13 protein (p.Val1133Glu). In summary, the available evidence is currently insufficient to determine the role of this variant in disease. Therefore, it has been classified as a Variant of Uncertain Significance. Algorithms developed to predict the effect of missense changes on protein structure and function are either unavailable or do not agree on the potential impact of this missense change (SIFT: "Deleterious"; PolyPhen-2: "Benign"; Align-GVGD: "Class C15"). This variant has not been reported in the literature in individuals affected with ALG13-related conditions. This variant is not present in population databases (gnomAD no frequency).

NM_001099922.3(ALG13):c.3398T>A (p.Val1133Glu)

Gene: ALG13 (ALG13 UDP-N-acetylglucosaminyltransferase subunit; plus strand). Cytogenetic location: Xq23.
Variant type: single nucleotide variant.
Coding change: c.3398T>A on transcript NM_001099922.3 (MANE Select); coding-DNA position 3398, T replaced by A.
Protein change: p.Val1133Glu; replaces valine 1133 with glutamic acid.
Molecular consequence: missense variant. On other transcripts: non-coding transcript variant (1).
Genome position (GRCh38, 1-based): chrX:111,759,983, T>A. VCF-style: chrX-111759983-T-A. GRCh37 (hg19) VCF-style: chrX-111003211-T-A.
Other names: c.2849T>A, p.Val950Glu (NM_001257230.2, NM_001257234.2, NM_001257237.2); c.3164T>A, p.Val1055Glu (NM_001257231.2); c.3161T>A, p.Val1054Glu (NM_001324292.2); c.2675T>A, p.Val892Glu (NM_001324293.1); short protein forms V1055E, V1133E, V1054E, V892E, V950E.
Identifiers: ClinVar variation 2127066 (VCV002127066.4), dbSNP rs2526600192, ClinGen allele CA414293875.